The following is an entry in ClinVar:

NM_080473.5(GATA5):c.119C>G (p.Pro40Arg)

Gene: GATA5 (GATA binding protein 5; minus strand). Cytogenetic location: 20q13.33.
Variant type: single nucleotide variant.
Coding change: c.119C>G on transcript NM_080473.5 (MANE Select); coding-DNA position 119, C replaced by G.
Protein change: p.Pro40Arg; replaces proline 40 with arginine.
Molecular consequence: missense variant.
Genome position (GRCh38, 1-based): chr20:62,475,403, G>C on the plus strand (C>G on the coding strand, the complement: GATA5 is on the minus strand). VCF-style: chr20-62475403-G-C. GRCh37 (hg19) VCF-style: chr20-61050459-G-C.
Other names: short protein forms P40R.
Identifiers: ClinVar variation 2728830 (VCV002728830.3), dbSNP rs1555897063, ClinGen allele CA409557791.
Genomic context (GRCh38, chr20:62,475,403, plus strand): 5'-GCAGCGAGCTCGGGGGGCTGCGGGCTCGGCTCACACCCGGACAGGTAGGACAGCATCGAG[G>C]GGACGCGCGCCGGCGGCACAAACATCGGAGAGCCGGCGCCCGGAGCGTGCAGGAAGGAGC-3'
Protein context (NP_536721.1, residues 30-50): SPMFVPPARV[Pro40Arg]SMLSYLSGCE

ClinVar aggregate classification (germline): Uncertain significance (1 of 4 stars; one submission).

Submission:

Labcorp Genetics (formerly Invitae), Labcorp
Classification: Uncertain significance. Last evaluated: 2023-03-03. Review status: criteria provided, single submitter. Criteria: Invitae Variant Classification Sherloc (09022015). Collection method: clinical testing. Allele origin: germline.
Comment: This variant has not been reported in the literature in individuals affected with GATA5-related conditions. This variant is not present in population databases (gnomAD no frequency). This sequence change replaces proline, which is neutral and non-polar, with arginine, which is basic and polar, at codon 40 of the GATA5 protein (p.Pro40Arg). An algorithm developed to predict the effect of missense changes on protein structure and function (PolyPhen-2) suggests that this variant is likely to be disruptive. In summary, the available evidence is currently insufficient to determine the role of this variant in disease. Therefore, it has been classified as a Variant of Uncertain Significance.